The following is an entry in ClinVar:

NM_012418.4(FSCN2):c.101A>G (p.Asn34Ser)

Gene: FSCN2 (fascin actin-bundling protein 2, retinal; plus strand). Cytogenetic location: 17q25.3.
Variant type: single nucleotide variant.
Coding change: c.101A>G on transcript NM_012418.4 (MANE Select); coding-DNA position 101, A replaced by G.
Protein change: p.Asn34Ser; replaces asparagine 34 with serine.
Molecular consequence: missense variant.
Genome position (GRCh38, 1-based): chr17:81,528,632, A>G. VCF-style: chr17-81528632-A-G. GRCh37 (hg19) VCF-style: chr17-79495658-A-G.
Other names: c.101A>G, p.Asn34Ser (NM_001077182.3); short protein forms N34S.
Identifiers: ClinVar variation 1935975 (VCV001935975.5), dbSNP rs782673170, ClinGen allele CA8836582.

ClinVar aggregate classification (germline): Uncertain significance (1 of 4 stars; one submission).

Allele frequency attached by ClinVar (database versions not stated): gnomAD exomes below 0.00001.
gnomAD v4.1: 6 of 1,605,268 alleles (0.00037%); highest among the groups gnomAD compares: East Asian, 0.0022%; no homozygotes.

Submission:

Labcorp Genetics (formerly Invitae), Labcorp
Classification: Uncertain significance. Last evaluated: 2025-07-08. Review status: criteria provided, single submitter. Criteria: Invitae Variant Classification Sherloc (09022015). Collection method: clinical testing. Allele origin: germline.
Comment: This sequence change replaces asparagine, which is neutral and polar, with serine, which is neutral and polar, at codon 34 of the FSCN2 protein (p.Asn34Ser). This variant is not present in population databases (gnomAD no frequency). This variant has not been reported in the literature in individuals affected with FSCN2-related conditions. ClinVar contains an entry for this variant (Variation ID: 1935975). An algorithm developed to predict the effect of missense changes on protein structure and function (PolyPhen-2) suggests that this variant is likely to be disruptive. Algorithms developed to predict the effect of sequence changes on RNA splicing suggest that this variant may create or strengthen a splice site. In summary, the available evidence is currently insufficient to determine the role of this variant in disease. Therefore, it has been classified as a Variant of Uncertain Significance.